The following is an entry in ClinVar:

NM_052947.4(ALPK2):c.5401T>C (p.Ser1801Pro)

Gene: ALPK2 (alpha kinase 2; minus strand). Cytogenetic location: 18q21.31.
Variant type: single nucleotide variant.
Coding change: c.5401T>C on transcript NM_052947.4 (MANE Select); coding-DNA position 5401, T replaced by C.
Protein change: p.Ser1801Pro; replaces serine 1801 with proline.
Molecular consequence: missense variant.
Genome position (GRCh38, 1-based): chr18:58,529,191, A>G on the plus strand (T>C on the coding strand, the complement: ALPK2 is on the minus strand). VCF-style: chr18-58529191-A-G. GRCh37 (hg19) VCF-style: chr18-56196423-A-G.
Other names: short protein forms S1801P.
Identifiers: ClinVar variation 1747316 (VCV001747316.3), dbSNP rs1459949172, ClinGen allele CA402554167.
Genomic context (GRCh38, chr18:58,529,191, plus strand): 5'-AGCAGATAGTAGAATCTTCATGAATTTCTGCAAATTGGCAGCTTAATTTTACATTTCCAG[A>G]GTGTTCAGGGAACATCTCAGCTTGGATCTTTTTCAGTAATACTGGAGCTAGAAACAAGAT-3'
Protein context (NP_443179.3, residues 1791-1811): KIQAEMFPEH[Ser1801Pro]GNVKLSCQFA

ClinVar aggregate classification (germline): Uncertain significance (1 of 4 stars; one submission).

Submission:

Ambry Genetics
Classification: Uncertain significance. Last evaluated: 2024-06-04. Review status: criteria provided, single submitter. Criteria: Ambry Variant Classification Scheme 2023. Collection method: clinical testing. Allele origin: germline.
Comment: The p.S1801P variant (also known as c.5401T>C), located in coding exon 5 of the ALPK2 gene, results from a T to C substitution at nucleotide position 5401. The serine at codon 1801 is replaced by proline, an amino acid with similar properties. This amino acid position is conserved. In addition, this alteration is predicted to be tolerated by in silico analysis. Since supporting evidence is limited at this time, the clinical significance of this alteration remains unclear.